The following is an entry in ClinVar:

NM_001355436.2(SPTB):c.3183C>A (p.Ser1061Arg)

Gene: SPTB (spectrin beta, erythrocytic; minus strand). Cytogenetic location: 14q23.3.
Variant type: single nucleotide variant.
Coding change: c.3183C>A on transcript NM_001355436.2 (MANE Select); coding-DNA position 3183, C replaced by A.
Protein change: p.Ser1061Arg; replaces serine 1061 with arginine.
Molecular consequence: missense variant.
Genome position (GRCh38, 1-based): chr14:64,786,782, G>T on the plus strand (C>A on the coding strand, the complement: SPTB is on the minus strand). VCF-style: chr14-64786782-G-T. GRCh37 (hg19) VCF-style: chr14-65253500-G-T.
Other names: p.Ser1061Arg; c.3183C>A, p.Ser1061Arg (NM_001024858.4, NM_001355437.2); short protein forms S1061R.
Identifiers: ClinVar variation 4541852 (VCV004541852.1).

ClinVar aggregate classification (germline): Uncertain significance (1 of 4 stars; one submission).

Submission:

Mayo Clinic Laboratories, Mayo Clinic
Classification: Uncertain significance. Last evaluated: 2025-02-11. Review status: criteria provided, single submitter. Criteria: ACMG Guidelines, 2015. Collection method: clinical testing. Allele origin: germline. Observed: 1 variant allele.
Comment: BP4_moderate, PM2_supporting